The following is an entry in ClinVar:

NM_000232.5(SGCB):c.1A>T (p.Met1Leu)

Genes: SGCB (sarcoglycan beta; minus strand), LOC129992585 (ATAC-STARR-seq lymphoblastoid silent region 15421; plus strand). Cytogenetic location: 4q12.
Variant type: single nucleotide variant.
Coding change: c.1A>T on transcript NM_000232.5 (MANE Select); coding-DNA position 1, A replaced by T.
Protein change: p.Met1Leu; changes the start codon (methionine 1).
Molecular consequence: missense variant, initiator codon variant.
Genome position (GRCh38, 1-based): chr4:52,038,259, T>A on the plus strand (A>T on the coding strand, the complement: SGCB is on the minus strand). VCF-style: chr4-52038259-T-A. GRCh37 (hg19) VCF-style: chr4-52904425-T-A.
Other names: c.1A>T (NM_000232.4); short protein forms M1L.
Identifiers: ClinVar variation 1180805 (VCV001180805.4), dbSNP rs398123262, ClinGen allele CA356878731.

ClinVar aggregate classification (germline): Pathogenic/Likely pathogenic. Review status: criteria provided, multiple submitters, no conflicts (2 of 4 stars). 2 submissions from 2 submitters: Pathogenic (1); Likely pathogenic (1). Last evaluated 2025-12-31.

Conditions:
Autosomal recessive limb-girdle muscular dystrophy type 2E (LGMDR4). Also called: MUSCULAR DYSTROPHY, LIMB-GIRDLE, AUTOSOMAL RECESSIVE 4. Identifiers: Orphanet 119, MedGen C1858593, MONDO:0011423, OMIM 604286. Disease mechanism: Affects gamma-sarcoglycan and also disrupts the integrity of the entire sarcoglycan complex..
Abnormality of the musculature. Identifiers: MedGen C4021745, HP:0003011.

Submissions (2):

Natera, Inc.
Classification: Pathogenic for Limb-girdle muscular dystrophy type 2E. Last evaluated: 2025-12-31. Review status: criteria provided, single submitter. Criteria: Natera Variant Classification Schema (03/2026). Collection method: clinical testing. Allele origin: germline.
Comment: The c.1A>T variant in SGCB is predicted to result in start loss due to disruption of the initiator methionine. This variant is expected to result in nonsense mediated decay, truncation, or a dysfunctional protein product. This variant is rare in the general population with a frequency below the threshold expected for the associated phenotype(s). This variant has been observed in one or more individuals affected with the associated recessive disease, as either homozygous or compound heterozygous with a second variant (PMID: 32140910). Given the available evidence, this variant is classified as Pathogenic.

Kariminejad - Najmabadi Pathology & Genetics Center
Classification: Likely pathogenic for Abnormality of the musculature. Last evaluated: 2021-07-10. Review status: criteria provided, single submitter. Criteria: ACMG Guidelines, 2015. Collection method: clinical testing. Allele origin: germline. Affected: yes.

Literature cited by the submitters: PubMed 32140910 (cited by Natera, Inc.).